The following is an entry in ClinVar:

NC_000017.11:g.(?_31218985)_(31222471_?)del

Gene: NF1 (neurofibromin 1; plus strand). Cytogenetic location: 17q11.2.
Variant type: Deletion.
Identifiers: ClinVar variation 833276 (VCV000833276.3).

ClinVar aggregate classification (germline): Pathogenic (1 of 4 stars; one submission).

Conditions:
Neurofibromatosis, type 1 (NF1). Also called: Peripheral type neurofibromatosis; Neurofibromatosis, type I; VON RECKLINGHAUSEN DISEASE; NEUROFIBROMATOSIS, TYPE I, SOMATIC. Identifiers: Orphanet 636, MedGen C0027831, MONDO:0018975, OMIM 162200. Disease mechanism: loss of function.

Submission:

Labcorp Genetics (formerly Invitae), Labcorp
Classification: Pathogenic for Neurofibromatosis, type 1. Last evaluated: 2019-11-12. Review status: criteria provided, single submitter. Criteria: Invitae Variant Classification Sherloc (09022015). Collection method: clinical testing. Allele origin: germline.
Comment: Loss-of-function variants in NF1 are known to be pathogenic (PMID: 10712197, 23913538). This variant has not been reported in the literature in individuals with NF1-related conditions. This variant is an out-of-frame deletion of the genomic region encompassing exons 14-15 of the NF1 gene. This is expected to create a premature translational stop signal and result in an absent or disrupted protein product. For these reasons, this variant has been classified as Pathogenic.

Literature cited by the submitters: PubMed 10712197; PubMed 23913538.